The following is an entry in ClinVar:

NM_058216.3(RAD51C):c.13A>C (p.Thr5Pro)

Gene: RAD51C (RAD51 paralog C; plus strand). Cytogenetic location: 17q22.
Variant type: single nucleotide variant.
Coding change: c.13A>C on transcript NM_058216.3 (MANE Select); coding-DNA position 13, A replaced by C.
Protein change: p.Thr5Pro; replaces threonine 5 with proline.
Molecular consequence: missense variant. On other transcripts: non-coding transcript variant (2).
Genome position (GRCh38, 1-based): chr17:58,692,656, A>C. VCF-style: chr17-58692656-A-C. GRCh37 (hg19) VCF-style: chr17-56770017-A-C.
Other names: c.13A>C, p.Thr5Pro (NM_002876.4); short protein forms T5P.
Identifiers: ClinVar variation 4703679 (VCV004703679.1).

ClinVar aggregate classification (germline): Uncertain significance (1 of 4 stars; one submission).

Conditions:
Fanconi anemia complementation group O. Also called: RAD51C-Related Fanconi Anemia. Identifiers: Orphanet 84, MedGen C3150653, MONDO:0013248, OMIM 613390.

gnomAD v4.1: 1 of 1,614,196 alleles (0.000062%); no homozygotes.

Submission:

Labcorp Genetics (formerly Invitae), Labcorp
Classification: Uncertain significance for Fanconi anemia complementation group O. Last evaluated: 2025-04-21. Review status: criteria provided, single submitter. Criteria: Invitae Variant Classification Sherloc (09022015). Collection method: clinical testing. Allele origin: germline.
Comment: This sequence change replaces threonine, which is neutral and polar, with proline, which is neutral and non-polar, at codon 5 of the RAD51C protein (p.Thr5Pro). This variant is present in population databases (no rsID available, gnomAD 0.004%). This variant has not been reported in the literature in individuals affected with RAD51C-related conditions. An algorithm developed to predict the effect of missense changes on protein structure and function (PolyPhen-2) suggests that this variant is likely to be tolerated. In summary, the available evidence is currently insufficient to determine the role of this variant in disease. Therefore, it has been classified as a Variant of Uncertain Significance.